The following is an entry in ClinVar:

ClinVar aggregate classification (germline): Uncertain significance (1 of 4 stars; one submission).

Conditions:
GLI3-related disorder. Also called: GLI3-related condition; GLI3-related disorders. Identifiers: MedGen CN239292.

Submission:

PreventionGenetics, part of Exact Sciences
Classification: Uncertain significance for GLI3-related condition. Last evaluated: 2024-11-02. Review status: criteria provided, single submitter. Criteria: ACMG Guidelines, 2015. Collection method: clinical testing. Allele origin: germline.
Comment: The GLI3 c.1243-1G>A variant is predicted to disrupt the AG splice acceptor site and interfere with normal splicing. To our knowledge, this variant has not been reported in the literature or in a large population database (gnomAD), indicating this variant is rare. Although we suspect that this variant may be pathogenic, at this time, the clinical significance of this variant is uncertain due to the absence of conclusive functional and genetic evidence.

NM_000168.6(GLI3):c.1243-1G>A

Gene: GLI3 (GLI family zinc finger 3; minus strand). Cytogenetic location: 7p14.1.
Variant type: single nucleotide variant.
Coding change: c.1243-1G>A on transcript NM_000168.6 (MANE Select); the canonical splice acceptor site of the intron before coding-DNA position 1243, G replaced by A.
Molecular consequence: splice acceptor variant.
Genome position (GRCh38, 1-based): chr7:42,025,378, C>T on the plus strand (G>A on the coding strand, the complement: GLI3 is on the minus strand). VCF-style: chr7-42025378-C-T. GRCh37 (hg19) VCF-style: chr7-42064977-C-T.
Identifiers: ClinVar variation 4988917 (VCV004988917.1).